The following is an entry in ClinVar:

ClinVar aggregate classification (germline): Likely benign. Review status: criteria provided, multiple submitters, no conflicts (2 of 4 stars). 7 submissions from 7 submitters: Likely benign (5). 2 of the submissions do not count toward it. Last evaluated 2026-01-27.

Conditions:
Hereditary cancer-predisposing syndrome. Also called: Tumor predisposition; Hereditary neoplastic syndrome; Neoplastic Syndromes, Hereditary; Hereditary Cancer Syndrome. Identifiers: Orphanet 140162, MedGen C0027672, MeSH D009386, MONDO:0015356.
Familial cancer of breast. Also called: hereditary breast carcinoma; Hereditary breast cancer; BREAST CANCER, FAMILIAL. Identifiers: Orphanet 227535, MedGen C0346153, MONDO:0016419, OMIM 114480. Disease mechanism: loss of function.
Ataxia-telangiectasia syndrome (AT). Also called: Ataxia-telangiectasia, complementation group E; AT, COMPLEMENTATION GROUP C; ATAXIA-TELANGIECTASIA, COMPLEMENTATION GROUP A; ATAXIA-TELANGIECTASIA, FRESNO VARIANT; Ataxia-telangiectasia; LOUIS-BAR SYNDROME. Identifiers: Orphanet 100, MedGen C0004135, MONDO:0008840, OMIM 208900.

Allele frequency attached by ClinVar (database versions not stated): gnomAD 0.00001 and 0.00002; gnomAD exomes 0.00001 and 0.00002; ExAC 0.00002; TOPMed 0.00003; 1000 Genomes Project 0.00040; 1000 Genomes Project 30x 0.00047.
gnomAD v4.1: 13 of 1,610,832 alleles (0.00081%); highest among the groups gnomAD compares: African/African-American, 0.0053%; no homozygotes.

Submissions (7):

Labcorp Genetics (formerly Invitae), Labcorp
Classification: Likely benign for Ataxia-telangiectasia syndrome. Last evaluated: 2026-01-27. Review status: criteria provided, single submitter. Criteria: Invitae Variant Classification Sherloc (09022015). Collection method: clinical testing. Allele origin: germline.

Women's Health and Genetics/Laboratory Corporation of America, LabCorp
Classification: Likely benign. Last evaluated: 2025-04-16. Review status: criteria provided, single submitter. Criteria: LabCorp Variant Classification Summary - May 2015. Collection method: clinical testing. Allele origin: germline.
Comment: Variant summary: ATM c.3577-7C>T alters a nucleotide located at a position not widely known to affect splicing. Consensus agreement among computation tools predict no significant impact on normal splicing. However, these predictions have yet to be confirmed by functional studies. The variant allele was found at a frequency of 1.6e-05 in 249842 control chromosomes. The available data on variant occurrences in the general population are insufficient to allow any conclusion about variant significance. To our knowledge, no occurrence of c.3577-7C>T in individuals affected with Breast Cancer and no experimental evidence demonstrating its impact on protein function have been reported. ClinVar contains an entry for this variant (Variation ID: 220538). Based on the evidence outlined above, the variant was classified as likely benign.

Myriad Genetics, Inc.
Classification: Likely benign for Familial cancer of breast. Last evaluated: 2024-05-15. Review status: criteria provided, single submitter. Criteria: Myriad Autosomal Dominant, Autosomal Recessive and X-Linked Classification Criteria (2023). Collection method: clinical testing. Allele origin: unknown.
Comment: This variant is considered likely benign. This variant is intronic and is not expected to impact mRNA splicing.

GeneDx
Classification: Likely benign. Last evaluated: 2018-08-01. Review status: criteria provided, single submitter. Criteria: GeneDx Variant Classification Process June 2021. Collection method: clinical testing. Allele origin: germline. Affected: yes.

Color Diagnostics, LLC DBA Color Health
Classification: Likely benign for Hereditary cancer-predisposing syndrome. Last evaluated: 2017-05-29. Review status: criteria provided, single submitter. Criteria: ACMG Guidelines, 2015. Collection method: clinical testing. Allele origin: germline.

Natera, Inc.
Classification: Likely benign for Ataxia-telangiectasia. Last evaluated: 2020-09-16. Review status: no assertion criteria provided. Collection method: clinical testing. Allele origin: germline. Not counted in ClinVar's aggregate classification.

Counsyl
Classification: Uncertain significance for Ataxia-telangiectasia syndrome. Last evaluated: 2018-01-15. Review status: no assertion criteria provided. Collection method: clinical testing. Allele origin: unknown. Not counted in ClinVar's aggregate classification.

NM_000051.4(ATM):c.3577-7C>T

Gene: ATM (ATM serine/threonine kinase; plus strand). Cytogenetic location: 11q22.3.
Variant type: single nucleotide variant.
Coding change: c.3577-7C>T on transcript NM_000051.4 (MANE Select); 7 bases into the intron before coding-DNA position 3577, C replaced by T.
Molecular consequence: intron variant.
Genome position (GRCh38, 1-based): chr11:108,282,703, C>T. VCF-style: chr11-108282703-C-T. GRCh37 (hg19) VCF-style: chr11-108153430-C-T.
Other names: c.3577-7C>T (NM_001351834.2).
Identifiers: ClinVar variation 220538 (VCV000220538.21), dbSNP rs558667657, ClinGen allele CA348263.
Genomic context (GRCh38, chr11:108,282,703, plus strand): 5'-TTAACAAGCATTTAAATGATTTATTTTTTTCATTTTTCTTAACACATTGACTTTTTGGTT[C>T]GTGCAGGTTTTAGAGAAAGTTTCTGAAACTTTTGGATATAGACGTTTAGAAGACTTTATG-3'